The following is an entry in ClinVar:

NM_001256012.3(MYH10):c.3528_3531del (p.Ser1176fs)

Gene: MYH10 (myosin heavy chain 10; minus strand). Cytogenetic location: 17p13.1.
Variant type: Microsatellite.
Coding change: c.3528_3531del on transcript NM_001256012.3 (MANE Select); coding-DNA positions 3528 to 3531, 4 bases deleted (TGAG; older notation c.3528_3531delTGAG).
Protein change: p.Ser1176fs; shifts the reading frame from serine 1176.
Molecular consequence: frameshift variant.
Genome position (GRCh38, 1-based): chr17:8,504,762-8,504,765, CTCA deleted on the plus strand (TGAG on the coding strand, the reverse complement: MYH10 is on the minus strand); deleting any 4 consecutive bases within chr17:8,504,762-8,504,769 gives the same sequence; the c. name uses the placement nearest the transcript's 3' end. VCF-style (leftmost placement, unchanged base first): chr17-8504761-CCTCA-C. GRCh37 (hg19) VCF-style: chr17-8408079-CCTCA-C.
Other names: c.3462_3465del, p.Ser1154fs (NM_001256095.2); c.3465_3468del, p.Ser1155fs (NM_001375266.1); c.3435_3438del, p.Ser1145fs (NM_005964.5); short protein forms S1145fs, S1154fs, S1155fs, S1176fs.
Identifiers: ClinVar variation 4850811 (VCV004850811.1).
Genomic context (GRCh38, chr17:8,504,761, plus strand): 5'-CCTGCTGGGCTGCCGTGGTGTCCAGCGTGTCCTCCAGCTCTGTTTTCAGAGCTTCCAGTT[CCTCA>C]CTCAAGTCCCTTTTCTGCTTTTCGGCCTTGTTCCGTGAAGCCTTCTCGGATTCAAAGTCT-3'

ClinVar aggregate classification (germline): Pathogenic (1 of 4 stars; one submission).

Conditions:
MYH10-related disorder. Also called: MYH10-related condition.

Submission:

Variantyx, Inc.
Classification: Pathogenic for MYH10-related disorders. Last evaluated: 2025-07-16. Review status: criteria provided, single submitter. Criteria: Variantyx Assertion Criteria 2022. Collection method: clinical testing. Allele origin: germline. Inheritance: Autosomal dominant inheritance. Affected: yes.
Comment: This is a frameshift variant in the MYH10 gene. Pathogenic variants in this gene have been associated with autosomal dominant complex neurodevelopmental disorder with or without congenital anomalies (PMID: 35980381, 40044823). This variant introduces a premature termination codon in exon 28 out of 43 and is expected to result in loss of function, which is a known disease mechanism for MYH10 in this disorder (PMID: 35980381) (PVS1). Based on the current evidence, this variant is classified as pathogenic for autosomal dominant complex neurodevelopmental disorder with or without congenital anomalies.

Literature cited by the submitters: PubMed 35980381; PubMed 40044823.